The following is an entry in ClinVar:

ClinVar aggregate classification (germline): Uncertain significance (1 of 4 stars; one submission).

Submission:

Labcorp Genetics (formerly Invitae), Labcorp
Classification: Uncertain significance. Last evaluated: 2024-10-22. Review status: criteria provided, single submitter. Criteria: Invitae Variant Classification Sherloc (09022015). Collection method: clinical testing. Allele origin: germline.
Comment: This variant, c.6886_6888del, results in the deletion of 1 amino acid(s) of the WDR87 protein (p.Lys2296del), but otherwise preserves the integrity of the reading frame. The frequency data for this variant in the population databases is considered unreliable, as metrics indicate poor data quality at this position in the gnomAD database. This variant has not been reported in the literature in individuals affected with WDR87-related conditions. Experimental studies and prediction algorithms are not available or were not evaluated, and the functional significance of this variant is currently unknown. In summary, the available evidence is currently insufficient to determine the role of this variant in disease. Therefore, it has been classified as a Variant of Uncertain Significance.

NM_001291088.2(WDR87):c.6997AAG[2] (p.Lys2335del)

Gene: WDR87 (WD repeat domain 87; minus strand). Cytogenetic location: 19q13.13.
Variant type: Microsatellite.
Coding change: c.6997AAG[2] on transcript NM_001291088.2 (MANE Select); two copies in a row of the 3-base unit AAG starting at c.6997; the reference has three copies in a row; one copy, 3 bases deleted.
Protein change: p.Lys2335del; deletes lysine 2335.
Molecular consequence: inframe deletion.
Genome position (GRCh38, 1-based): chr19:37,886,666-37,886,668, CTT deleted on the plus strand (AAG on the coding strand, the reverse complement: WDR87 is on the minus strand); deleting any 3 consecutive bases within chr19:37,886,666-37,886,674 gives the same sequence; the position shown is the placement nearest the transcript's 3' end. VCF-style (leftmost placement, unchanged base first): chr19-37886665-CCTT-C. GRCh37 (hg19) VCF-style: chr19-38377305-CCTT-C.
Other names: c.6880AAG[2], p.Lys2296del (NM_031951.5); short protein forms K2296del, K2335del.
Identifiers: ClinVar variation 2708913 (VCV002708913.3), dbSNP rs771285686, ClinGen allele CA9408447.